The following is an entry in ClinVar:

ClinVar aggregate classification (germline): Uncertain significance (1 of 4 stars; one submission).

Conditions:
Dilated cardiomyopathy 1HH (CMD1HH). Identifiers: Orphanet 154, MedGen C3151293, MONDO:0013479, OMIM 613881.
Myofibrillar myopathy 6. Identifiers: Orphanet 199340, MedGen C2751831, MONDO:0013061, OMIM 612954.

Submission:

Labcorp Genetics (formerly Invitae), Labcorp
Classification: Uncertain significance for Dilated cardiomyopathy 1HH; Myofibrillar myopathy 6. Last evaluated: 2022-07-19. Review status: criteria provided, single submitter. Criteria: Invitae Variant Classification Sherloc (09022015). Collection method: clinical testing. Allele origin: germline.
Comment: In summary, the available evidence is currently insufficient to determine the role of this variant in disease. Therefore, it has been classified as a Variant of Uncertain Significance. Algorithms developed to predict the effect of missense changes on protein structure and function are either unavailable or do not agree on the potential impact of this missense change (SIFT: "Tolerated"; PolyPhen-2: "Not Available"; Align-GVGD: "Class C0"). This variant has not been reported in the literature in individuals affected with BAG3-related conditions. This variant is not present in population databases (gnomAD no frequency). This sequence change replaces glutamic acid, which is acidic and polar, with alanine, which is neutral and non-polar, at codon 543 of the BAG3 protein (p.Glu543Ala).

NM_004281.4(BAG3):c.1628A>C (p.Glu543Ala)

Gene: BAG3 (BAG cochaperone 3; plus strand). Cytogenetic location: 10q26.11.
Variant type: single nucleotide variant.
Coding change: c.1628A>C on transcript NM_004281.4 (MANE Select); coding-DNA position 1628, A replaced by C.
Protein change: p.Glu543Ala; replaces glutamic acid 543 with alanine.
Molecular consequence: missense variant.
Genome position (GRCh38, 1-based): chr10:119,677,182, A>C. VCF-style: chr10-119677182-A-C. GRCh37 (hg19) VCF-style: chr10-121436694-A-C.
Other names: short protein forms E543A.
Identifiers: ClinVar variation 2172691 (VCV002172691.4), dbSNP rs1335978812, ClinGen allele CA378297735.
Genomic context (GRCh38, chr10:119,677,182, plus strand): 5'-CAATCATGGAGATGGGTGCCGTGGCAGCAGACAAGGGCAAGAAAAATGCTGGAAATGCAG[A>C]AGATCCCCACACAGAAACCCAGCAGCCAGAAGCCACAGCAGCAGCGACTTCAAACCCCAG-3'
Protein context (NP_004272.2, residues 533-553): DKGKKNAGNA[Glu543Ala]DPHTETQQPE